The following is an entry in ClinVar:

ClinVar aggregate classification (germline): Uncertain significance. Review status: criteria provided, multiple submitters, no conflicts (2 of 4 stars). 6 submissions from 6 submitters: Uncertain significance (6). Last evaluated 2025-12-09.

Conditions:
Cardiovascular phenotype. Identifiers: MedGen CN230736.
Cardiomyopathy (CMYO). Also called: Cardiomyopathies. Identifiers: Orphanet 167848, MedGen C0878544, MONDO:0004994, HP:0001638. Inheritance: Various modes of inheritance.
Hypertrophic cardiomyopathy. Also called: HYPERTROPHIC MYOCARDIOPATHY. Identifiers: Orphanet 217569, MedGen C0007194, MeSH D002312, MONDO:0005045, HP:0001639.

Allele frequency attached by ClinVar (database versions not stated): gnomAD exomes 0.00005 and 0.00001; gnomAD 0.00001; ExAC 0.00002; TOPMed 0.00002.
gnomAD v4.1: 67 of 1,605,636 alleles (0.0042%); highest among the groups gnomAD compares: Non-Finnish European, 0.0056%; no homozygotes.

Submissions (6):

Labcorp Genetics (formerly Invitae), Labcorp
Classification: Uncertain significance for Hypertrophic cardiomyopathy. Last evaluated: 2025-12-09. Review status: criteria provided, single submitter. Criteria: Invitae Variant Classification Sherloc (09022015). Collection method: clinical testing. Allele origin: germline.
Comment: This sequence change replaces lysine, which is basic and polar, with arginine, which is basic and polar, at codon 1326 of the MYH7 protein (p.Lys1326Arg). This variant is present in population databases (rs730880786, gnomAD 0.002%). This missense change has been observed in individual(s) with an inherited arrhythmia syndrome (PMID: 26743238). ClinVar contains an entry for this variant (Variation ID: 181237). Invitae Evidence Modeling of protein sequence and biophysical properties (such as structural, functional, and spatial information, amino acid conservation, physicochemical variation, residue mobility, and thermodynamic stability) has been performed for this missense variant. However, the output from this modeling did not meet the statistical confidence thresholds required to predict the impact of this variant on MYH7 protein function. In summary, the available evidence is currently insufficient to determine the role of this variant in disease. Therefore, it has been classified as a Variant of Uncertain Significance.

All of Us Research Program, National Institutes of Health
Classification: Uncertain significance for Cardiomyopathy. Last evaluated: 2024-07-20. Review status: criteria provided, single submitter. Criteria: ACMG Guidelines, 2015. Collection method: clinical testing. Allele origin: germline. Inheritance: Autosomal dominant inheritance. Observed: 15 variant alleles, 15 heterozygotes.
Comment: This missense variant replaces lysine with arginine at codon 1326 of the MYH7 protein. Computational prediction suggests that this variant may not impact protein structure and function (internally defined REVEL score threshold <= 0.5, PMID: 27666373). To our knowledge, functional studies have not been reported for this variant. This variant has been reported in an individual affected with an inherited arrhythmia syndrome (PMID: 26743238). This variant has been identified in 3/246668 chromosomes in the general population by the Genome Aggregation Database (gnomAD). The available evidence is insufficient to determine the role of this variant in disease conclusively. Therefore, this variant is classified as a Variant of Uncertain Significance.

This study involves interpretation of variants in research participants for the purpose of population health screening. Participant phenotype was not available at the time of variant classification. Additional details can be found in publication PMID: 35346344, PMCID: PMC8962531

Color Diagnostics, LLC DBA Color Health
Classification: Uncertain significance for Cardiomyopathy. Last evaluated: 2024-05-28. Review status: criteria provided, single submitter. Criteria: ACMG Guidelines, 2015. Collection method: clinical testing. Allele origin: germline.
Comment: This missense variant replaces lysine with arginine at codon 1326 of the MYH7 protein. Computational prediction tools indicate that this variant has a neutral impact on protein structure and function. To our knowledge, functional studies have not been reported for this variant. This variant has been reported in one individual affected with an inherited arrhythmia syndrome (PMID: 26743238). This variant has been identified in 3/246668 chromosomes in the general population by the Genome Aggregation Database (gnomAD). The available evidence is insufficient to determine the role of this variant in disease conclusively. Therefore, this variant is classified as a Variant of Uncertain Significance.

Ambry Genetics
Classification: Uncertain significance for Cardiovascular phenotype. Last evaluated: 2021-03-22. Review status: criteria provided, single submitter. Criteria: Ambry Variant Classification Scheme 2023. Collection method: clinical testing. Allele origin: germline.
Comment: The p.K1326R variant (also known as c.3977A>G), located in coding exon 28 of the MYH7 gene, results from an A to G substitution at nucleotide position 3977. The lysine at codon 1326 is replaced by arginine, an amino acid with highly similar properties. This variant has been detected in a cohort of patients with arrhythmias and cardiomyopathies; however, details were limited (Adler A et al. Circ Arrhythm Electrophysiol, 2016 Jan;9:e003440). This amino acid position is highly conserved in available vertebrate species. In addition, this alteration is predicted to be tolerated by in silico analysis. Since supporting evidence is limited at this time, the clinical significance of this alteration remains unclear.

Revvity Omics, Revvity
Classification: Uncertain significance. Last evaluated: 2020-11-01. Review status: criteria provided, single submitter. Criteria: ACMG Guidelines, 2015. Collection method: clinical testing. Allele origin: germline.

GeneDx
Classification: Uncertain significance. Last evaluated: 2013-05-30. Review status: criteria provided, single submitter. Criteria: GeneDx Variant Classification (06012015). Collection method: clinical testing. Allele origin: germline. Affected: yes.
Comment: p.Lys1326Arg (AAG>AGG): c.3977 A>G in exon 30 of the MYH7 gene (NM_000257.2). The Lys1326Arg variant in the MYH7 gene has not been reported as a disease-causing mutation or as a benign polymorphism to our knowledge. Lys1326Arg results in a conservative amino acid substitution of one positively charged amino acid with another at a position that is conserved across species. In silico analysis predicts Lys1326Arg is probably damaging to the protein structure/function. Mutations in nearby residues (Asn1327Lys, Ala1332Thr) have been reported in association with cardiomyopathy, supporting the functional importance of this region of the protein. However, data from control individuals were not available to assess whether Lys1326Arg may be a common benign variant in the general population. With the clinical and molecular information available at this time, we cannot definitively determine if Lys1326Arg is a disease-causing mutation or a rare benign variant. The variant is found in HCM panel(s).

Literature cited by the submitters: PubMed 26743238 (cited by 4 submitters).

NM_000257.4(MYH7):c.3977A>G (p.Lys1326Arg)

Gene: MYH7 (myosin heavy chain 7; minus strand). Cytogenetic location: 14q11.2.
Variant type: single nucleotide variant.
Coding change: c.3977A>G on transcript NM_000257.4 (MANE Select); coding-DNA position 3977, A replaced by G.
Protein change: p.Lys1326Arg; replaces lysine 1326 with arginine.
Molecular consequence: missense variant.
Genome position (GRCh38, 1-based): chr14:23,418,402, T>C on the plus strand (A>G on the coding strand, the complement: MYH7 is on the minus strand). VCF-style: chr14-23418402-T-C. GRCh37 (hg19) VCF-style: chr14-23887611-T-C.
Other names: p.K1326R:AAG>AGG; short protein forms K1326R.
Identifiers: ClinVar variation 181237 (VCV000181237.18), dbSNP rs730880786, ClinGen allele CA014301.